The following is an entry in ClinVar:

NM_000053.4(ATP7B):c.2057ACA[1] (p.Asn687del)

Gene: ATP7B (ATPase copper transporting beta; minus strand). Cytogenetic location: 13q14.3.
Variant type: Microsatellite.
Coding change: c.2057ACA[1] on transcript NM_000053.4 (MANE Select); one copy of the 3-base unit ACA starting at c.2057; the reference has two copies in a row; one copy, 3 bases deleted; also written c.2060_2062del.
Protein change: p.Asn687del; deletes asparagine 687.
Molecular consequence: inframe deletion. On other transcripts: intron variant (2).
Genome position (GRCh38, 1-based): chr13:51,960,207-51,960,209, TGT deleted on the plus strand (ACA on the coding strand, the reverse complement: ATP7B is on the minus strand); deleting any 3 consecutive bases within chr13:51,960,207-51,960,212 gives the same sequence; the position shown is the placement nearest the transcript's 3' end. VCF-style (leftmost placement, unchanged base first): chr13-51960206-ATGT-A. GRCh37 (hg19) VCF-style: chr13-52534342-ATGT-A.
Other names: c.1724ACA[1], p.Asn576del (NM_001243182.2); c.2057ACA[1], p.Asn687del (NM_001330578.2); c.1870-2602_1870-2600del (NM_001005918.3); c.1870-1665_1870-1663del (NM_001330579.2); c.2060_2062del (NM_000053.4); short protein forms N687del, N576del.
Identifiers: ClinVar variation 552485 (VCV000552485.3), dbSNP rs770107276, ClinGen allele CA6989125.

ClinVar aggregate classification (germline): Uncertain significance. Review status: criteria provided, single submitter (1 of 4 stars). 2 submissions from 2 submitters: Uncertain significance (1). 1 of the submissions does not count toward it. Last evaluated 2025-07-08.

Conditions:
Wilson disease (WND). Also called: Wilson's disease. Identifiers: Orphanet 905, MedGen C0019202, MONDO:0010200, OMIM 277900. Disease mechanism: loss of function.

Submissions (2):

Color Diagnostics, LLC DBA Color Health
Classification: Uncertain significance for Wilson disease. Last evaluated: 2025-07-08. Review status: criteria provided, single submitter. Criteria: ACMG Guidelines, 2015. Collection method: clinical testing. Allele origin: germline.
Comment: This variant results in a single amino acid deletion at codon 678 in the ATP7B protein. To our knowledge, functional studies have not been reported for this variant. This variant has not been reported in individuals affected with ATP7B-related disorders in the literature. This variant has been identified in 1/249220 chromosomes in the general population by the Genome Aggregation Database (gnomAD). The available evidence is insufficient to determine the role of this variant in disease conclusively. Therefore, this variant is classified as a Variant of Uncertain Significance.

Counsyl
Classification: Uncertain significance for Wilson disease. Last evaluated: 2017-06-13. Review status: no assertion criteria provided. Collection method: clinical testing. Allele origin: unknown. Not counted in ClinVar's aggregate classification.

Literature cited by the submitters: PubMed 24094725 (cited by Counsyl).